The following is an entry in ClinVar:

ClinVar aggregate classification (germline): Uncertain significance (1 of 4 stars; one submission).

Conditions:
Peroxisome biogenesis disorder 2B (PBD2B). Identifiers: Orphanet 44, MedGen C3550234, MONDO:0008736, OMIM 202370.

Submission:

Labcorp Genetics (formerly Invitae), Labcorp
Classification: Uncertain significance for Peroxisome biogenesis disorder 2B. Last evaluated: 2026-01-19. Review status: criteria provided, single submitter. Criteria: Invitae Variant Classification Sherloc (09022015). Collection method: clinical testing. Allele origin: germline.
Comment: This sequence change replaces glycine, which is neutral and non-polar, with cysteine, which is neutral and slightly polar, at codon 563 of the PEX5 protein (p.Gly563Cys). This variant is not present in population databases (gnomAD no frequency). This variant has not been reported in the literature in individuals affected with PEX5-related conditions. ClinVar contains an entry for this variant (Variation ID: 2131222). Invitae Evidence Modeling of protein sequence and biophysical properties (such as structural, functional, and spatial information, amino acid conservation, physicochemical variation, residue mobility, and thermodynamic stability) indicates that this missense variant is expected to disrupt PEX5 protein function with a positive predictive value of 80%. In summary, the available evidence is currently insufficient to determine the role of this variant in disease. Therefore, it has been classified as a Variant of Uncertain Significance.

NM_001351132.2(PEX5):c.1687G>T (p.Gly563Cys)

Gene: PEX5 (peroxisomal biogenesis factor 5; plus strand). Cytogenetic location: 12p13.31.
Variant type: single nucleotide variant.
Coding change: c.1687G>T on transcript NM_001351132.2 (MANE Select); coding-DNA position 1687, G replaced by T.
Protein change: p.Gly563Cys; replaces glycine 563 with cysteine.
Molecular consequence: missense variant.
Genome position (GRCh38, 1-based): chr12:7,209,809, G>T. VCF-style: chr12-7209809-G-T. GRCh37 (hg19) VCF-style: chr12-7362405-G-T.
Other names: c.1687G>T, p.Gly563Cys (NM_001351134.2, NM_001374647.2, NM_001131025.2 and 4 more transcripts); c.1621G>T, p.Gly541Cys (NM_001351135.3, NM_001351138.2); c.1678G>T, p.Gly560Cys (NM_001351136.2); c.1576G>T, p.Gly526Cys (NM_001351137.3, NM_001374645.1, NM_001374646.1 and 7 more transcripts); c.1552G>T, p.Gly518Cys (NM_001351139.2, NM_001351140.2, NM_001374649.2); c.1663G>T, p.Gly555Cys (NM_000319.5); c.1732G>T, p.Gly578Cys (NM_001131023.2); short protein forms G555C, G518C, G541C, G560C, G578C, G526C, G563C.
Identifiers: ClinVar variation 2131222 (VCV002131222.4), dbSNP rs2540325730, ClinGen allele CA383738596.
Genomic context (GRCh38, chr12:7,209,809, plus strand): 5'-GCTGCGTACCGCCGGGCCCTCGAGCTCCAGCCTGGCTATATCCGGTCCCGCTATAACCTG[G>T]GCATCAGCTGCATCAACCTCGGGGCTCACCGGTGAGAGTATCTATTGAGAAATGAATGAA-3'
Protein context (NP_001338061.1, residues 553-573): PGYIRSRYNL[Gly563Cys]ISCINLGAHR